The following is an entry in ClinVar:

NM_004656.4(BAP1):c.2183G>A (p.Arg728His)

Gene: BAP1 (BRCA1 associated deubiquitinase 1; minus strand). Cytogenetic location: 3p21.1.
Variant type: single nucleotide variant.
Coding change: c.2183G>A on transcript NM_004656.4 (MANE Select); coding-DNA position 2183, G replaced by A.
Protein change: p.Arg728His; replaces arginine 728 with histidine.
Molecular consequence: missense variant.
Genome position (GRCh38, 1-based): chr3:52,402,295, C>T on the plus strand (G>A on the coding strand, the complement: BAP1 is on the minus strand). VCF-style: chr3-52402295-C-T. GRCh37 (hg19) VCF-style: chr3-52436311-C-T.
Other names: c.2183G>A (NM_004656.3, NM_004656.2); short protein forms R728H.
Identifiers: ClinVar variation 1397331 (VCV001397331.12), dbSNP rs773230722, ClinGen allele CA353093863.
Genomic context (GRCh38, chr3:52,402,295, plus strand): 5'-CCTGGTGAGGGCCACACGGCAAGAGTGGGCTGCAGAGTCAGGGCCAGCAGTCCTCACTGG[C>T]GCTTGGCCTTGTAGGGGCGAGAGCGTTTCCGCCGGTCAGGCTTCCGCTGCTTGTGGAGCC-3'
Protein context (NP_004647.1, residues 718-729): RKRSRPYKAK[Arg728His]Q

ClinVar aggregate classification (germline): Uncertain significance. Review status: criteria provided, multiple submitters, no conflicts (2 of 4 stars). 4 submissions from 4 submitters: Uncertain significance (4). Last evaluated 2025-11-24.

Conditions:
Hereditary cancer-predisposing syndrome. Also called: Hereditary Cancer Syndrome; Hereditary neoplastic syndrome; Tumor predisposition; Neoplastic Syndromes, Hereditary. Identifiers: Orphanet 140162, MedGen C0027672, MeSH D009386, MONDO:0015356.
BAP1-related tumor predisposition syndrome (TPDS1). Also called: COMMON Syndrome; Tumor susceptibility linked to germline BAP1 mutations; BAP1 tumor predisposition syndrome; TUMOR PREDISPOSITION SYNDROME 1. Identifiers: Orphanet 289539, MedGen C3280492, MONDO:0013692, OMIM 614327.

Allele frequency attached by ClinVar (database versions not stated): gnomAD 0.00001.
gnomAD v4.1: 7 of 1,600,518 alleles (0.00044%); highest among the groups gnomAD compares: South Asian, 0.0011%; no homozygotes.

Submissions (4):

Labcorp Genetics (formerly Invitae), Labcorp
Classification: Uncertain significance for BAP1-related tumor predisposition syndrome. Last evaluated: 2025-11-24. Review status: criteria provided, single submitter. Criteria: Invitae Variant Classification Sherloc (09022015). Collection method: clinical testing. Allele origin: germline.
Comment: This sequence change replaces arginine, which is basic and polar, with histidine, which is basic and polar, at codon 728 of the BAP1 protein (p.Arg728His). This variant is present in population databases (no rsID available, gnomAD 0.007%). This variant has not been reported in the literature in individuals affected with BAP1-related conditions. ClinVar contains an entry for this variant (Variation ID: 1397331). Invitae Evidence Modeling of protein sequence and biophysical properties (such as structural, functional, and spatial information, amino acid conservation, physicochemical variation, residue mobility, and thermodynamic stability) has been performed for this missense variant. However, the output from this modeling did not meet the statistical confidence thresholds required to predict the impact of this variant on BAP1 protein function. In summary, the available evidence is currently insufficient to determine the role of this variant in disease. Therefore, it has been classified as a Variant of Uncertain Significance.

GeneDx
Classification: Uncertain significance. Last evaluated: 2025-04-22. Review status: criteria provided, single submitter. Criteria: GeneDx Variant Classification Process June 2021. Collection method: clinical testing. Allele origin: germline. Affected: yes.
Comment: Not observed at significant frequency in large population cohorts (gnomAD); In silico analysis indicates that this missense variant does not alter protein structure/function; Observed in a healthy control, but absent from cases, in a melanoma case-control study (PMID: 28062663); This variant is associated with the following publications: (PMID: 28062663)

Ambry Genetics
Classification: Uncertain significance for Hereditary cancer-predisposing syndrome. Last evaluated: 2024-10-29. Review status: criteria provided, single submitter. Criteria: Ambry Variant Classification Scheme 2023. Collection method: clinical testing. Allele origin: germline.
Comment: The p.R728H variant (also known as c.2183G>A), located in coding exon 17 of the BAP1 gene, results from a G to A substitution at nucleotide position 2183. The arginine at codon 728 is replaced by histidine, an amino acid with highly similar properties. In one study, this variant was identified in 0/1977 melanoma cases and 1/754 controls (O'Shea SJ et al. Hum Mol Genet, 2017 Feb;26:717-728). This amino acid position is highly conserved in available vertebrate species. In addition, the in silico prediction for this alteration is inconclusive. Based on the available evidence, the clinical significance of this variant remains unclear.

Color Diagnostics, LLC DBA Color Health
Classification: Uncertain significance for Hereditary cancer-predisposing syndrome. Last evaluated: 2022-05-16. Review status: criteria provided, single submitter. Criteria: ACMG Guidelines, 2015. Collection method: clinical testing. Allele origin: germline.
Comment: This missense variant replaces arginine with histidine at codon 728 of the BAP1 protein. Computational prediction suggests that this variant may not impact protein structure and function (internally defined REVEL score threshold <= 0.5, PMID: 27666373). To our knowledge, functional studies have not been reported for this variant. This variant has not been reported in individuals affected with hereditary cancer in the literature. This variant has been identified in 1/31396 chromosomes in the general population by the Genome Aggregation Database (gnomAD). The available evidence is insufficient to determine the role of this variant in disease conclusively. Therefore, this variant is classified as a Variant of Uncertain Significance.

Literature cited by the submitters: PubMed 28062663 (cited by Ambry Genetics).